The following is an entry in ClinVar:

ClinVar aggregate classification (germline): Benign/Likely benign. Review status: criteria provided, multiple submitters, no conflicts (2 of 4 stars). 3 submissions from 3 submitters: Benign (1); Likely benign (1). 1 of the submissions does not count toward it. Last evaluated 2026-01-18.

Conditions:
HGD-related disorder. Also called: HGD-related condition.
Alkaptonuria (AKU). Also called: HOMOGENTISIC ACID OXIDASE DEFICIENCY; Homogentisic acidura; Alkaptonuric ochronosis; Alcaptonuria. Identifiers: Orphanet 56, MedGen C0002066, MONDO:0008753, OMIM 203500.

Allele frequency attached by ClinVar (database versions not stated): gnomAD exomes 0.00048; ExAC 0.00057; gnomAD 0.00162 and 0.00165; TOPMed 0.00198; ESP Exome Variant Server 0.00231; 1000 Genomes Project 0.00240; 1000 Genomes Project 30x 0.00250.
gnomAD v4.1: 470 of 1,612,138 alleles (0.029%); highest among the groups gnomAD compares: African/African-American, 0.55%; 3 homozygotes.

Submissions (3):

Labcorp Genetics (formerly Invitae), Labcorp
Classification: Benign for Alkaptonuria. Last evaluated: 2026-01-18. Review status: criteria provided, single submitter. Criteria: Invitae Variant Classification Sherloc (09022015). Collection method: clinical testing. Allele origin: germline.

Illumina Laboratory Services, Illumina
Classification: Likely benign for Alkaptonuria. Last evaluated: 2018-01-12. Review status: criteria provided, single submitter. Criteria: ICSL Variant Classification Criteria 13 December 2019. Collection method: clinical testing. Allele origin: germline.
Comment: This variant was observed in the ICSL laboratory as part of a predisposition screen in an ostensibly healthy population. It had not been previously curated by ICSL or reported in the Human Gene Mutation Database (HGMD: prior to June 1st, 2018), and was therefore a candidate for classification through an automated scoring system. Utilizing variant allele frequency, disease prevalence and penetrance estimates, and inheritance mode, an automated score was calculated to assess if this variant is too frequent to cause the disease. Based on the score and internal cut-off values, a variant classified as likely benign is not then subjected to further curation. The score for this variant resulted in a classification of likely benign for this disease.

PreventionGenetics, part of Exact Sciences
Classification: Likely benign for HGD-related condition. Last evaluated: 2019-06-19. Review status: no assertion criteria provided. Collection method: clinical testing. Allele origin: germline. Not counted in ClinVar's aggregate classification.
Comment: This variant is classified as likely benign based on ACMG/AMP sequence variant interpretation guidelines (Richards et al. 2015 PMID: 25741868, with internal and published modifications).

NM_000187.4(HGD):c.129G>A (p.Gln43=)

Gene: HGD (homogentisate 1,2-dioxygenase; minus strand). Cytogenetic location: 3q13.33.
Variant type: single nucleotide variant.
Coding change: c.129G>A on transcript NM_000187.4 (MANE Select); coding-DNA position 129, G replaced by A.
Protein change: p.Gln43=; no amino-acid change (glutamine 43 retained).
Molecular consequence: synonymous variant.
Genome position (GRCh38, 1-based): chr3:120,674,948, C>T on the plus strand (G>A on the coding strand, the complement: HGD is on the minus strand). VCF-style: chr3-120674948-C-T. GRCh37 (hg19) VCF-style: chr3-120393795-C-T.
Identifiers: ClinVar variation 712390 (VCV000712390.16), dbSNP rs142789485, ClinGen allele CA2560343.